The following is an entry in ClinVar:

ClinVar aggregate classification (germline): Uncertain significance. Review status: criteria provided, multiple submitters, no conflicts (2 of 4 stars). 3 submissions from 3 submitters: Uncertain significance (3). Last evaluated 2025-10-15.

Conditions:
LAMA2-related muscular dystrophy (LAMA2-RD). Also called: Laminin alpha 2-related dystrophy. Identifiers: MedGen C5679788, MONDO:0100228.
Inborn genetic diseases. Identifiers: MedGen C0950123, MeSH D030342.

Allele frequency attached by ClinVar (database versions not stated): gnomAD exomes 0.00001 and 0.00002; TOPMed 0.00001; ExAC 0.00002; gnomAD 0.00003.
gnomAD v4.1: 12 of 1,609,062 alleles (0.00075%); highest among the groups gnomAD compares: African/African-American, 0.0053%; no homozygotes.

Submissions (3):

Ambry Genetics
Classification: Uncertain significance for Inborn genetic diseases. Last evaluated: 2025-10-15. Review status: criteria provided, single submitter. Criteria: Ambry Variant Classification Scheme 2023. Collection method: clinical testing. Allele origin: germline.

Labcorp Genetics (formerly Invitae), Labcorp
Classification: Uncertain significance for LAMA2-related muscular dystrophy. Last evaluated: 2025-08-18. Review status: criteria provided, single submitter. Criteria: Invitae Variant Classification Sherloc (09022015). Collection method: clinical testing. Allele origin: germline.
Comment: This sequence change replaces serine, which is neutral and polar, with leucine, which is neutral and non-polar, at codon 2452 of the LAMA2 protein (p.Ser2452Leu). This variant is present in population databases (rs750695778, gnomAD 0.005%). This variant has not been reported in the literature in individuals affected with LAMA2-related conditions. ClinVar contains an entry for this variant (Variation ID: 1493652). Invitae Evidence Modeling of protein sequence and biophysical properties (such as structural, functional, and spatial information, amino acid conservation, physicochemical variation, residue mobility, and thermodynamic stability) indicates that this missense variant is not expected to disrupt LAMA2 protein function with a negative predictive value of 95%. In summary, the available evidence is currently insufficient to determine the role of this variant in disease. Therefore, it has been classified as a Variant of Uncertain Significance.

Revvity Omics, Revvity
Classification: Uncertain significance. Last evaluated: 2020-03-30. Review status: criteria provided, single submitter. Criteria: ACMG Guidelines, 2015. Collection method: clinical testing. Allele origin: germline.

NM_000426.4(LAMA2):c.7355C>T (p.Ser2452Leu)

Gene: LAMA2 (laminin subunit alpha 2; plus strand). Cytogenetic location: 6q22.33.
Variant type: single nucleotide variant.
Coding change: c.7355C>T on transcript NM_000426.4 (MANE Select); coding-DNA position 7355, C replaced by T.
Protein change: p.Ser2452Leu; replaces serine 2452 with leucine.
Molecular consequence: missense variant.
Genome position (GRCh38, 1-based): chr6:129,473,268, C>T. VCF-style: chr6-129473268-C-T. GRCh37 (hg19) VCF-style: chr6-129794413-C-T.
Other names: c.7355C>T, p.Ser2452Leu (NM_001079823.2); c.7355C>T (NM_000426.3); short protein forms S2452L.
Identifiers: ClinVar variation 1493652 (VCV001493652.11), dbSNP rs750695778, ClinGen allele CA3994523.